The following is an entry in ClinVar:

NM_007294.4(BRCA1):c.5085dup (p.Val1696fs)

Gene: BRCA1 (BRCA1 DNA repair associated; minus strand). Cytogenetic location: 17q21.31.
Variant type: Duplication.
Coding change: c.5085dup on transcript NM_007294.4 (MANE Select); coding-DNA position 5085, one base duplicated (T; older notation c.5085dupT).
Protein change: p.Val1696fs; shifts the reading frame from valine 1696.
Molecular consequence: frameshift variant. On other transcripts: non-coding transcript variant (1).
Genome position (GRCh38, 1-based): chr17:43,063,941, A duplicated on the plus strand (T on the coding strand, the reverse complement: BRCA1 is on the minus strand); the first of 3 consecutive A bases (chr17:43,063,941-43,063,943); duplicating any one gives the same sequence. VCF-style (leftmost placement, unchanged base first): chr17-43063940-C-CA. GRCh37 (hg19) VCF-style: chr17-41215957-C-CA.
Other names: c.4870dup, p.Val1625Cysfs (NM_001407571.1, NM_001407894.1, NM_001407895.1 and 12 more transcripts); c.5149dup, p.Val1718Cysfs (NM_001407581.1, NM_001407582.1); c.4936dup, p.Val1647Cysfs (NM_001407847.1, NM_001407848.1, NM_001407849.1 and 12 more transcripts); c.5083dup, p.Val1696Cysfs (NM_001407854.1, NM_001407593.1, NM_001407594.1 and 7 more transcripts); c.5080dup, p.Val1695Cysfs (NM_001407858.1, NM_001407859.1, NM_001407860.1 and 17 more transcripts); c.5077dup, p.Val1694Cysfs (NM_001407861.1, NM_001407627.1, NM_001407628.1 and 14 more transcripts); c.4882dup, p.Val1629Cysfs (NM_001407862.1); c.4876dup, p.Val1627Cysfs (NM_001407874.1, NM_001407875.1); and 75 more; short protein forms V1649fs, V1696fs, V1717fs, V592fs.
Identifiers: ClinVar variation 4215118 (VCV004215118.1).

ClinVar aggregate classification (germline): Pathogenic (1 of 4 stars; one submission).

Conditions:
Hereditary cancer-predisposing syndrome. Also called: Neoplastic Syndromes, Hereditary; Tumor predisposition; Hereditary Cancer Syndrome; Hereditary neoplastic syndrome. Identifiers: Orphanet 140162, MedGen C0027672, MeSH D009386, MONDO:0015356.

Submission:

Ambry Genetics
Classification: Pathogenic for Hereditary cancer-predisposing syndrome. Last evaluated: 2025-08-20. Review status: criteria provided, single submitter. Criteria: Ambry Variant Classification Scheme 2023. Collection method: clinical testing. Allele origin: germline.
Comment: The c.5085dupT pathogenic mutation, located in coding exon 16 of the BRCA1 gene, results from a duplication of T at nucleotide position 5085, causing a translational frameshift with a predicted alternate stop codon (p.V1696Cfs*3). This variant is considered to be rare based on population cohorts in the Genome Aggregation Database (gnomAD). This alteration is expected to result in loss of function by premature protein truncation or nonsense-mediated mRNA decay. As such, this alteration is interpreted as a disease-causing mutation.